The following is an entry in ClinVar:

NM_016123.4(IRAK4):c.*854A>G

Gene: IRAK4 (interleukin 1 receptor associated kinase 4; plus strand). Cytogenetic location: 12q12.
Variant type: single nucleotide variant.
Coding change: c.*854A>G on transcript NM_016123.4 (MANE Select); 854 bases downstream of the stop codon, A replaced by G.
Molecular consequence: 3 prime UTR variant.
Genome position (GRCh38, 1-based): chr12:43,787,569, A>G. VCF-style: chr12-43787569-A-G. GRCh37 (hg19) VCF-style: chr12-44181372-A-G.
Other names: c.*854A>G (NM_001114182.3, NM_001145256.2, NM_001145257.2 and 9 more transcripts).
Identifiers: ClinVar variation 881456 (VCV000881456.4), dbSNP rs567630494, ClinGen allele CA236378049.
Genomic context (GRCh38, chr12:43,787,569, plus strand): 5'-AACCTAAAGGTGGCCTCTAGGAGATGAGACCTACCTTCCAGTTGTCAGCAAGCAGGAAAA[A>G]AAAATTGGGACCTCAGTTGCAACCACAAGGAACTGAATTCTGCCAAAAATCTGAGTCAGC-3'

ClinVar aggregate classification (germline): Likely benign (1 of 4 stars; one submission).

Conditions:
Immunodeficiency 67. Also called: Immunodeficiency due to interleukin-1 receptor-associated kinase-4 deficiency. Identifiers: Orphanet 70592, MedGen C1843256, MONDO:0011888, OMIM 607676.

Allele frequency attached by ClinVar (database versions not stated): gnomAD 0.00001 and 0.00009; TOPMed 0.00002; 1000 Genomes Project 0.00060; 1000 Genomes Project 30x 0.00062.

Submission:

Illumina Laboratory Services, Illumina
Classification: Likely benign for Immunodeficiency 67. Last evaluated: 2018-01-12. Review status: criteria provided, single submitter. Criteria: ICSL Variant Classification Criteria 13 December 2019. Collection method: clinical testing. Allele origin: germline.
Comment: This variant was observed in the ICSL laboratory as part of a predisposition screen in an ostensibly healthy population. It had not been previously curated by ICSL or reported in the Human Gene Mutation Database (HGMD: prior to June 1st, 2018), and was therefore a candidate for classification through an automated scoring system. Utilizing variant allele frequency, disease prevalence and penetrance estimates, and inheritance mode, an automated score was calculated to assess if this variant is too frequent to cause the disease. Based on the score and internal cut-off values, a variant classified as likely benign is not then subjected to further curation. The score for this variant resulted in a classification of likely benign for this disease.